The following is an entry in ClinVar:

NM_000297.4(PKD2):c.154C>A (p.Leu52Met)

Genes: PKD2 (polycystin 2, transient receptor potential cation channel; plus strand), LOC129992813 (ATAC-STARR-seq lymphoblastoid silent region 15559; plus strand). Cytogenetic location: 4q22.1.
Variant type: single nucleotide variant.
Coding change: c.154C>A on transcript NM_000297.4 (MANE Select); coding-DNA position 154, C replaced by A.
Protein change: p.Leu52Met; replaces leucine 52 with methionine.
Molecular consequence: missense variant. On other transcripts: non-coding transcript variant (1).
Genome position (GRCh38, 1-based): chr4:88,007,887, C>A. VCF-style: chr4-88007887-C-A. GRCh37 (hg19) VCF-style: chr4-88929039-C-A.
Other names: short protein forms L52M.
Identifiers: ClinVar variation 350012 (VCV000350012.17), dbSNP rs886059694, ClinGen allele CA10618560.

ClinVar aggregate classification (germline): Conflicting classifications of pathogenicity. Review status: criteria provided, conflicting classifications (1 of 4 stars). 4 submissions from 4 submitters: Uncertain significance (3); Likely benign (1). Last evaluated 2025-10-18.

Conditions:
Autosomal dominant polycystic kidney disease. Identifiers: Orphanet 730, MedGen C0085413, MONDO:0004691.
PKD2-related disorder. Also called: PKD2-related condition.
Polycystic kidney disease 2 (PKD2). Also called: POLYCYSTIC KIDNEY DISEASE, ADULT, TYPE II; Polycystic Kidney Disease 2, Autosomal Dominant; POLYCYSTIC KIDNEY DISEASE 2 WITH OR WITHOUT POLYCYSTIC LIVER DISEASE. Identifiers: MedGen C2751306, MONDO:0013131, OMIM 613095.
Inborn genetic diseases. Identifiers: MedGen C0950123, MeSH D030342.

Allele frequency attached by ClinVar (database versions not stated): gnomAD exomes 0.00001 and 0.00013; gnomAD 0.00007; TOPMed 0.00007.
gnomAD v4.1: 27 of 1,377,046 alleles (0.002%); highest among the groups gnomAD compares: Admixed American, 0.069%; no homozygotes.

Submissions (4):

Labcorp Genetics (formerly Invitae), Labcorp
Classification: Uncertain significance for Autosomal dominant polycystic kidney disease. Last evaluated: 2025-10-18. Review status: criteria provided, single submitter. Criteria: Invitae Variant Classification Sherloc (09022015). Collection method: clinical testing. Allele origin: germline.
Comment: This sequence change replaces leucine, which is neutral and non-polar, with methionine, which is neutral and non-polar, at codon 52 of the PKD2 protein (p.Leu52Met). This variant is present in population databases (no rsID available, gnomAD 0.06%), and has an allele count higher than expected for a pathogenic variant. This variant has not been reported in the literature in individuals affected with PKD2-related conditions. ClinVar contains an entry for this variant (Variation ID: 350012). An algorithm developed to predict the effect of missense changes on protein structure and function (PolyPhen-2) suggests that this variant is likely to be disruptive. In summary, the available evidence is currently insufficient to determine the role of this variant in disease. Therefore, it has been classified as a Variant of Uncertain Significance.

PreventionGenetics, part of Exact Sciences
Classification: Likely benign for PKD2-related condition. Last evaluated: 2025-03-25. Review status: criteria provided, single submitter. Criteria: ACMG Guidelines, 2015. Collection method: clinical testing. Allele origin: germline.
Comment: This variant is classified as likely benign based on ACMG/AMP sequence variant interpretation guidelines (Richards et al. 2015 PMID: 25741868, with internal and published modifications).

Ambry Genetics
Classification: Uncertain significance for Inborn genetic diseases. Last evaluated: 2024-09-03. Review status: criteria provided, single submitter. Criteria: Ambry Variant Classification Scheme 2023. Collection method: clinical testing. Allele origin: germline.

Illumina Laboratory Services, Illumina
Classification: Uncertain significance for Polycystic kidney disease 2. Last evaluated: 2018-01-12. Review status: criteria provided, single submitter. Criteria: ICSL Variant Classification Criteria 13 December 2019. Collection method: clinical testing. Allele origin: germline.